The following is an entry in ClinVar:

ClinVar aggregate classification (germline): Uncertain significance. Review status: criteria provided, multiple submitters, no conflicts (2 of 4 stars). 4 submissions from 4 submitters: Uncertain significance (3). 1 of the submissions does not count toward it. Last evaluated 2025-01-15.

Conditions:
Primary ciliary dyskinesia. Also called: Ciliary dyskinesia. Identifiers: Orphanet 244, MedGen C0008780, MONDO:0016575, HP:0012265.
DNAH8-related disorder. Also called: DNAH8-related condition.

Allele frequency attached by ClinVar (database versions not stated): ExAC 0.00012; gnomAD exomes 0.00013 and 0.00005; 1000 Genomes Project 30x 0.00031; gnomAD 0.00036 and 0.00038; 1000 Genomes Project 0.00040; TOPMed 0.00043; ESP Exome Variant Server 0.00046.
gnomAD v4.1: 144 of 1,612,354 alleles (0.0089%); highest among the groups gnomAD compares: African/African-American, 0.13%; no homozygotes.

Submissions (4):

Labcorp Genetics (formerly Invitae), Labcorp
Classification: Uncertain significance for Primary ciliary dyskinesia. Last evaluated: 2025-01-15. Review status: criteria provided, single submitter. Criteria: Invitae Variant Classification Sherloc (09022015). Collection method: clinical testing. Allele origin: germline.
Comment: This sequence change replaces histidine, which is basic and polar, with arginine, which is basic and polar, at codon 935 of the DNAH8 protein (p.His935Arg). This variant is present in population databases (rs150379318, gnomAD 0.1%). This variant has not been reported in the literature in individuals affected with DNAH8-related conditions. ClinVar contains an entry for this variant (Variation ID: 844838). Experimental studies and prediction algorithms are not available or were not evaluated, and the functional significance of this variant is currently unknown. In summary, the available evidence is currently insufficient to determine the role of this variant in disease. Therefore, it has been classified as a Variant of Uncertain Significance.

Ambry Genetics
Classification: Uncertain significance. Last evaluated: 2024-02-27. Review status: criteria provided, single submitter. Criteria: Ambry Variant Classification Scheme 2023. Collection method: clinical testing. Allele origin: germline.

GeneDx
Classification: Uncertain significance. Last evaluated: 2022-04-15. Review status: criteria provided, single submitter. Criteria: GeneDx Variant Classification Process June 2021. Collection method: clinical testing. Allele origin: germline. Affected: yes.
Comment: In silico analysis supports that this missense variant does not alter protein structure/function; Has not been previously published as pathogenic or benign to our knowledge

PreventionGenetics, part of Exact Sciences
Classification: Uncertain significance for DNAH8-related condition. Last evaluated: 2024-01-17. Review status: no assertion criteria provided. Collection method: clinical testing. Allele origin: germline. Not counted in ClinVar's aggregate classification.
Comment: The DNAH8 c.2804A>G variant is predicted to result in the amino acid substitution p.His935Arg. To our knowledge, this variant has not been reported in the literature. This variant is reported in 0.11% of alleles in individuals of African descent in gnomAD. Although we suspect that this variant may be benign, at this time, the clinical significance of this variant is uncertain due to the absence of conclusive functional and genetic evidence.

NM_001206927.2(DNAH8):c.2804A>G (p.His935Arg)

Gene: DNAH8 (dynein axonemal heavy chain 8; plus strand). Cytogenetic location: 6p21.2.
Variant type: single nucleotide variant.
Coding change: c.2804A>G on transcript NM_001206927.2 (MANE Select); coding-DNA position 2804, A replaced by G.
Protein change: p.His935Arg; replaces histidine 935 with arginine.
Molecular consequence: missense variant.
Genome position (GRCh38, 1-based): chr6:38,791,577, A>G. VCF-style: chr6-38791577-A-G. GRCh37 (hg19) VCF-style: chr6-38759353-A-G.
Other names: c.2153A>G, p.His718Arg (NM_001371.4); short protein forms H718R, H935R.
Identifiers: ClinVar variation 844838 (VCV000844838.13), dbSNP rs150379318, ClinGen allele CA3788635.